The following is an entry in ClinVar:

ClinVar aggregate classification (germline): Pathogenic (1 of 4 stars; one submission).

Conditions:
Hereditary cancer-predisposing syndrome. Also called: Tumor predisposition; Hereditary neoplastic syndrome; Neoplastic Syndromes, Hereditary; Hereditary Cancer Syndrome. Identifiers: Orphanet 140162, MedGen C0027672, MeSH D009386, MONDO:0015356.

Submission:

Ambry Genetics
Classification: Pathogenic for Hereditary cancer-predisposing syndrome. Last evaluated: 2025-04-30. Review status: criteria provided, single submitter. Criteria: Ambry Variant Classification Scheme 2023. Collection method: clinical testing. Allele origin: germline.
Comment: The c.1433_1463del31 pathogenic mutation, located in coding exon 5 of the AXIN2 gene, results from a deletion of 31 nucleotides at nucleotide positions 1433 to 1463, causing a translational frameshift with a predicted alternate stop codon (p.H478Lfs*19). This variant is considered to be rare based on population cohorts in the Genome Aggregation Database (gnomAD). This alteration is expected to result in loss of function by premature protein truncation or nonsense-mediated mRNA decay. As such, this alteration is interpreted as a disease-causing mutation.

NM_004655.4(AXIN2):c.1433_1463del (p.His478fs)

Gene: AXIN2 (axin 2; minus strand). Cytogenetic location: 17q24.1.
Variant type: Deletion.
Coding change: c.1433_1463del on transcript NM_004655.4 (MANE Select); coding-DNA positions 1433 to 1463, 31 bases deleted.
Protein change: p.His478fs; shifts the reading frame from histidine 478.
Molecular consequence: frameshift variant.
Genome position (GRCh38, 1-based): chr17:65,537,573-65,537,603, 31 bases deleted; deleting any 31 consecutive bases within chr17:65,537,573-65,537,605 gives the same sequence; the c. name uses the placement nearest the transcript's 3' end. GRCh37 (hg19): chr17:63,533,693-63,533,723.
Other names: c.1433_1463del31 (NM_004655.3); c.1433_1463del, p.His478fs (NM_001363813.1); short protein forms H478fs.
Identifiers: ClinVar variation 3980752 (VCV003980752.1).
Genomic context (GRCh38, chr17:65,537,572, plus strand): 5'-CTTGGTCACAAAGCCTTTGCCCCCGAGGAGGGGGCAGGCGCCCGGCGAGGCGGCCGCGGG[AGGCAGCTTGCCACCGGGCGGGAGCAGGGAGT>A]GGTACTGCGAATGGTGGTGGTGGTGGTGGTCCGGGGAGCGGGAGCGGGGGCTATAGCGGC-3'